The following is an entry in ClinVar:

ClinVar aggregate classification (germline): Uncertain significance (1 of 4 stars; one submission).

Conditions:
Pyridoxal phosphate-responsive seizures (PNPOD). Also called: Pyridoxine-5'-phosphate oxidase deficiency; Pyridoxal 5'-Phosphate (PLP)-Dependent Epilepsy; EPILEPTIC ENCEPHALOPATHY, NEONATAL, PNPO-RELATED; SEIZURES, PYRIDOXINE-RESISTANT, PLP-SENSITIVE; Pyridoxamine 5-Prime-Phosphate Oxidase Deficiency. Identifiers: Orphanet 79096, MedGen C1864723, MONDO:0012407, OMIM 610090. Disease mechanism: loss of function.

Allele frequency attached by ClinVar (database versions not stated): gnomAD exomes below 0.00001; TOPMed 0.00002.
gnomAD v4.1: 5 of 1,566,142 alleles (0.00032%); highest among the groups gnomAD compares: African/African-American, 0.0067%; no homozygotes.

Submission:

Labcorp Genetics (formerly Invitae), Labcorp
Classification: Uncertain significance for Pyridoxal phosphate-responsive seizures. Last evaluated: 2023-10-03. Review status: criteria provided, single submitter. Criteria: Invitae Variant Classification Sherloc (09022015). Collection method: clinical testing. Allele origin: germline.
Comment: This sequence change replaces arginine, which is basic and polar, with glutamine, which is neutral and polar, at codon 45 of the PNPO protein (p.Arg45Gln). This variant is not present in population databases (gnomAD no frequency). This variant has not been reported in the literature in individuals affected with PNPO-related conditions. ClinVar contains an entry for this variant (Variation ID: 1361484). Algorithms developed to predict the effect of missense changes on protein structure and function output the following: SIFT: "Not Available"; PolyPhen-2: "Benign"; Align-GVGD: "Not Available". The glutamine amino acid residue is found in multiple mammalian species, which suggests that this missense change does not adversely affect protein function. In summary, the available evidence is currently insufficient to determine the role of this variant in disease. Therefore, it has been classified as a Variant of Uncertain Significance.

NM_018129.4(PNPO):c.134G>A (p.Arg45Gln)

Gene: PNPO (pyridoxamine 5'-phosphate oxidase; plus strand). Cytogenetic location: 17q21.32.
Variant type: single nucleotide variant.
Coding change: c.134G>A on transcript NM_018129.4 (MANE Select); coding-DNA position 134, G replaced by A.
Protein change: p.Arg45Gln; replaces arginine 45 with glutamine.
Molecular consequence: missense variant.
Genome position (GRCh38, 1-based): chr17:47,941,809, G>A. VCF-style: chr17-47941809-G-A. GRCh37 (hg19) VCF-style: chr17-46019175-G-A.
Other names: short protein forms R45Q.
Identifiers: ClinVar variation 1361484 (VCV001361484.6), dbSNP rs975643797, ClinGen allele CA291293243.